The following is an entry in ClinVar:

NM_002485.5(NBN):c.451G>A (p.Val151Ile)

Gene: NBN (nibrin; minus strand). Cytogenetic location: 8q21.3.
Variant type: single nucleotide variant.
Coding change: c.451G>A on transcript NM_002485.5 (MANE Select); coding-DNA position 451, G replaced by A.
Protein change: p.Val151Ile; replaces valine 151 with isoleucine.
Molecular consequence: missense variant.
Genome position (GRCh38, 1-based): chr8:89,980,763, C>T on the plus strand (G>A on the coding strand, the complement: NBN is on the minus strand). VCF-style: chr8-89980763-C-T. GRCh37 (hg19) VCF-style: chr8-90992991-C-T.
Other names: c.205G>A, p.Val69Ile (NM_001024688.3, NM_001440379.1, NM_001440380.1); short protein forms V69I, V151I.
Identifiers: ClinVar variation 4660496 (VCV004660496.1).
Genomic context (GRCh38, chr8:89,980,763, plus strand): 5'-TTTTAACATAAGAACAAGACATTCAACCTACTTTAATGGTAACTTTCACTGATACCATGA[C>T]AAGGTGAGTGCATTCTTCTGTCCAATTGTTTACAGTAAATCCTCCAAGTTGCAATATAGC-3'
Protein context (NP_002476.2, residues 141-161): NNWTEECTHL[Val151Ile]MVSVKVTIKT

ClinVar aggregate classification (germline): Uncertain significance (1 of 4 stars; one submission).

Conditions:
Hereditary cancer-predisposing syndrome. Also called: Neoplastic Syndromes, Hereditary; Tumor predisposition; Hereditary Cancer Syndrome; Hereditary neoplastic syndrome. Identifiers: Orphanet 140162, MedGen C0027672, MeSH D009386, MONDO:0015356.

gnomAD v4.1: 1 of 1,613,358 alleles (0.000062%); highest among the groups gnomAD compares: South Asian, 0.0011%; no homozygotes.

Submission:

Ambry Genetics
Classification: Uncertain significance for Hereditary cancer-predisposing syndrome. Last evaluated: 2025-09-26. Review status: criteria provided, single submitter. Criteria: Ambry Variant Classification Scheme 2023. Collection method: clinical testing. Allele origin: germline.
Comment: The p.V151I variant (also known as c.451G>A), located in coding exon 4 of the NBN gene, results from a G to A substitution at nucleotide position 451. The valine at codon 151 is replaced by isoleucine, an amino acid with highly similar properties. This amino acid position is conserved. In addition, this alteration is predicted to be tolerated by in silico analysis. Based on the available evidence, the clinical significance of this variant remains unclear.